The following is an entry in ClinVar:

ClinVar aggregate classification (germline): Pathogenic (1 of 4 stars; one submission).

Submission:

Labcorp Genetics (formerly Invitae), Labcorp
Classification: Pathogenic. Last evaluated: 2025-08-18. Review status: criteria provided, single submitter. Criteria: Invitae Variant Classification Sherloc (09022015). Collection method: clinical testing. Allele origin: germline.
Comment: This sequence change creates a premature translational stop signal (p.Leu1211Profs*19) in the LRRK1 gene. It is expected to result in an absent or disrupted protein product. Loss-of-function variants in LRRK1 are known to be pathogenic (PMID: 23526378, 31571209, 32119750). This variant is not present in population databases (gnomAD no frequency). This variant has not been reported in the literature in individuals affected with LRRK1-related conditions. ClinVar contains an entry for this variant (Variation ID: 1455841). For these reasons, this variant has been classified as Pathogenic.

Literature cited by the submitters: PubMed 23526378; PubMed 31571209; PubMed 32119750.

NM_024652.6(LRRK1):c.3618_3631dup (p.Leu1211fs)

Genes: LRRK1 (leucine rich repeat kinase 1; plus strand), LRRK1-AS1 (LRRK1 antisense RNA 1; minus strand). Cytogenetic location: 15q26.3.
Variant type: Duplication.
Coding change: c.3618_3631dup on transcript NM_024652.6 (MANE Select); coding-DNA positions 3618 to 3631, 14 bases duplicated (CAGACACCCGGACC).
Protein change: p.Leu1211fs; shifts the reading frame from leucine 1211.
Molecular consequence: frameshift variant.
Genome position (GRCh38, 1-based): chr15:101,051,889-101,051,902, CAGACACCCGGACC duplicated; duplicating any 14 consecutive bases within chr15:101,051,887-101,051,902 gives the same sequence; the c. name uses the placement nearest the transcript's 3' end. VCF-style (leftmost placement, unchanged base first): chr15-101051886-C-CCCCAGACACCCGGA. GRCh37 (hg19) VCF-style: chr15-101592091-C-CCCCAGACACCCGGA.
Other names: short protein forms L1211fs.
Identifiers: ClinVar variation 1455841 (VCV001455841.6), dbSNP rs2141133179, ClinGen allele CA2573150648.